The following is an entry in ClinVar:

NM_001844.5(COL2A1):c.4396_4397delinsTT (p.Ala1466Leu)

Gene: COL2A1 (collagen type II alpha 1 chain; minus strand). Cytogenetic location: 12q13.11.
Variant type: Indel.
Coding change: c.4396_4397delinsTT on transcript NM_001844.5 (MANE Select); coding-DNA positions 4396 to 4397, GC replaced by TT.
Protein change: p.Ala1466Leu; replaces alanine 1466 with leucine.
Molecular consequence: missense variant.
Genome position (GRCh38, 1-based): chr12:47,973,474-47,973,475, GC replaced by AA on the plus strand (GC replaced by TT on the coding strand, the reverse complement: COL2A1 is on the minus strand). VCF-style: chr12-47973474-GC-AA. GRCh37 (hg19) VCF-style: chr12-48367257-GC-AA.
Other names: c.4189_4190delinsTT, p.Ala1397Leu (NM_033150.3); short protein forms A1466L, A1397L.
Identifiers: ClinVar variation 2759405 (VCV002759405.3), dbSNP rs2540091299, ClinGen allele CA2697559207.

ClinVar aggregate classification (germline): Uncertain significance (1 of 4 stars; one submission).

Submission:

Labcorp Genetics (formerly Invitae), Labcorp
Classification: Uncertain significance. Last evaluated: 2023-09-21. Review status: criteria provided, single submitter. Criteria: Invitae Variant Classification Sherloc (09022015). Collection method: clinical testing. Allele origin: germline.
Comment: In summary, the available evidence is currently insufficient to determine the role of this variant in disease. Therefore, it has been classified as a Variant of Uncertain Significance. Experimental studies and prediction algorithms are not available or were not evaluated, and the functional significance of this variant is currently unknown. This variant has not been reported in the literature in individuals affected with COL2A1-related conditions. Information on the frequency of this variant in the gnomAD database is not available, as this variant may be reported differently in the database. This sequence change replaces alanine, which is neutral and non-polar, with leucine, which is neutral and non-polar, at codon 1466 of the COL2A1 protein (p.Ala1466Leu).